The following is an entry in ClinVar:

NM_152743.4(BRAT1):c.2340C>G (p.Asp780Glu)

Gene: BRAT1 (BRCA1 associated ATM activator 1; minus strand). Cytogenetic location: 7p22.3.
Variant type: single nucleotide variant.
Coding change: c.2340C>G on transcript NM_152743.4 (MANE Select); coding-DNA position 2340, C replaced by G.
Protein change: p.Asp780Glu; replaces aspartic acid 780 with glutamic acid.
Molecular consequence: missense variant. On other transcripts: non-coding transcript variant (1).
Genome position (GRCh38, 1-based): chr7:2,538,195, G>C on the plus strand (C>G on the coding strand, the complement: BRAT1 is on the minus strand). VCF-style: chr7-2538195-G-C. GRCh37 (hg19) VCF-style: chr7-2577829-G-C.
Other names: c.2520C>G, p.Asp840Glu (NM_001350626.2); c.1815C>G, p.Asp605Glu (NM_001350627.2); short protein forms D780E, D605E, D840E.
Identifiers: ClinVar variation 567552 (VCV000567552.15), dbSNP rs201045158, ClinGen allele CA4127384.
Genomic context (GRCh38, chr7:2,538,195, plus strand): 5'-CTGGGGACTCTTTTCCACGTGGTCGCTGCTCTCGGCCAGCGTGCTCCGCAGGCCCTCCAG[G>C]TCTAGGGACCTGAGCATGGCCAGCACAGCCTCAGGCTCCTGGTCCCCTGGGGGCTGGGCC-3'
Protein context (NP_689956.2, residues 770-790): EAVLAMLRSL[Asp780Glu]LEGLRSTLAE

ClinVar aggregate classification (germline): Conflicting classifications of pathogenicity. Review status: criteria provided, conflicting classifications (1 of 4 stars). 4 submissions from 4 submitters: Uncertain significance (1); Likely benign (1). 2 of the submissions do not count toward it. Last evaluated 2026-09-30.

Conditions:
Neonatal-onset encephalopathy with rigidity and seizures. Also called: Lethal neonatal spasticity-epileptic encephalopathy syndrome. Identifiers: Orphanet 435845, MedGen C3281029, MONDO:0013784, OMIM 614498.
Intellectual disability. Also called: Intellectual developmental disorder; Intellectual functioning disability; intellectual disabilities. Identifiers: MedGen C3714756, MeSH D008607, MONDO:0001071, HP:0001249.
BRAT1-related disorder. Also called: BRAT1-related disorders; BRAT1-related condition.

Allele frequency attached by ClinVar (database versions not stated): gnomAD exomes 0.00021; 1000 Genomes Project 0.00020; TOPMed 0.00022; ESP Exome Variant Server 0.00023; ExAC 0.00012; 1000 Genomes Project 30x 0.00016.
gnomAD v4.1: 415 of 1,610,022 alleles (0.026%); highest among the groups gnomAD compares: Non-Finnish European, 0.026%; no homozygotes.

Submissions (4):

GeneDx
Classification: Uncertain significance. Last evaluated: 2026-09-30. Review status: criteria provided, single submitter. Criteria: GeneDx Variant Classification Process June 2021. Collection method: clinical testing. Allele origin: germline.
Comment: In silico analysis supports that this missense variant has a deleterious effect on protein structure/function; Has not been previously published as pathogenic or benign to our knowledge

Labcorp Genetics (formerly Invitae), Labcorp
Classification: Likely benign for Neonatal-onset encephalopathy with rigidity and seizures. Last evaluated: 2025-11-12. Review status: criteria provided, single submitter. Criteria: Invitae Variant Classification Sherloc (09022015). Collection method: clinical testing. Allele origin: germline.

PreventionGenetics, part of Exact Sciences
Classification: Likely benign for BRAT1-related condition. Last evaluated: 2022-11-14. Review status: no assertion criteria provided. Collection method: clinical testing. Allele origin: germline. Not counted in ClinVar's aggregate classification.
Comment: This variant is classified as likely benign based on ACMG/AMP sequence variant interpretation guidelines (Richards et al. 2015 PMID: 25741868, with internal and published modifications).

Centre de Biologie Pathologie Génétique, Centre Hospitalier Universitaire de Lille
Classification: Likely benign for Intellectual disability. Last evaluated: 2019-01-01. Review status: no assertion criteria provided. Collection method: clinical testing. Allele origin: inherited. Affected: yes. Not counted in ClinVar's aggregate classification.